The following is an entry in ClinVar:

ClinVar aggregate classification (germline): Uncertain significance (0 of 4 stars; one submission).

Conditions:
PAX4-related disorder. Also called: PAX4-related condition.

Submission:

PreventionGenetics, part of Exact Sciences
Classification: Uncertain significance for PAX4-related condition. Last evaluated: 2024-09-15. Review status: no assertion criteria provided. Collection method: clinical testing. Allele origin: germline.
Comment: The PAX4 c.158A>C variant is predicted to result in the amino acid substitution p.Tyr53Ser. To our knowledge, this variant has not been reported in the literature or in a large population database, indicating this variant is rare. At this time, the clinical significance of this variant is uncertain due to the absence of conclusive functional and genetic evidence.

NM_001366110.1(PAX4):c.182A>C (p.Tyr61Ser)

Gene: PAX4 (paired box 4; minus strand). Cytogenetic location: 7q32.1.
Variant type: single nucleotide variant.
Coding change: c.182A>C on transcript NM_001366110.1 (MANE Select); coding-DNA position 182, A replaced by C.
Protein change: p.Tyr61Ser; replaces tyrosine 61 with serine.
Molecular consequence: missense variant.
Genome position (GRCh38, 1-based): chr7:127,615,058, T>G on the plus strand (A>C on the coding strand, the complement: PAX4 is on the minus strand). VCF-style: chr7-127615058-T-G. GRCh37 (hg19) VCF-style: chr7-127255112-T-G.
Other names: NM_006193.2:c.158A>C; c.182A>C, p.Tyr61Ser (NM_001366111.1); short protein forms Y61S.
Identifiers: ClinVar variation 3347932 (VCV003347932.1).